The following is an entry in ClinVar:

ClinVar aggregate classification (germline): Pathogenic (1 of 4 stars; one submission).

Conditions:
Asphyxiating thoracic dystrophy 5 (SRTD5). Also called: SHORT-RIB THORACIC DYSPLASIA 5 WITH OR WITHOUT POLYDACTYLY; SHORT-RIB THORACIC DYSPLASIA 5 WITHOUT POLYDACTYLY. Identifiers: Orphanet 474, MedGen C3280598, MONDO:0013717, OMIM 614376.
Senior-Loken syndrome 8 (SLSN8). Identifiers: Orphanet 3156, MedGen C4225376, MONDO:0014579, OMIM 616307.

Submission:

Labcorp Genetics (formerly Invitae), Labcorp
Classification: Pathogenic for Senior-Loken syndrome 8; Asphyxiating thoracic dystrophy 5. Last evaluated: 2022-11-15. Review status: criteria provided, single submitter. Criteria: Invitae Variant Classification Sherloc (09022015). Collection method: clinical testing. Allele origin: germline.
Comment: For these reasons, this variant has been classified as Pathogenic. This variant has not been reported in the literature in individuals affected with WDR19-related conditions. This variant is not present in population databases (gnomAD no frequency). This sequence change creates a premature translational stop signal (p.Gln176*) in the WDR19 gene. It is expected to result in an absent or disrupted protein product. Loss-of-function variants in WDR19 are known to be pathogenic (PMID: 22019273, 23559409, 23683095, 26275793, 27241786, 29068549).

Literature cited by the submitters: PubMed 22019273; PubMed 23559409; PubMed 23683095; PubMed 26275793; PubMed 27241786; PubMed 29068549.

NM_025132.4(WDR19):c.526C>T (p.Gln176Ter)

Gene: WDR19 (WD repeat domain 19; plus strand). Cytogenetic location: 4p14.
Variant type: single nucleotide variant.
Coding change: c.526C>T on transcript NM_025132.4 (MANE Select); coding-DNA position 526, C replaced by T.
Protein change: p.Gln176Ter; replaces glutamine 176 with a stop codon.
Molecular consequence: nonsense.
Genome position (GRCh38, 1-based): chr4:39,203,645, C>T. VCF-style: chr4-39203645-C-T. GRCh37 (hg19) VCF-style: chr4-39205265-C-T.
Other names: c.46C>T, p.Gln16Ter (NM_001317924.2); short protein forms Q16*, Q176*.
Identifiers: ClinVar variation 2041533 (VCV002041533.4), dbSNP rs2475075477, ClinGen allele CA356633364.